The following is an entry in ClinVar:

NM_004793.4(LONP1):c.2154+7G>A

Gene: LONP1 (lon peptidase 1, mitochondrial; minus strand). Cytogenetic location: 19p13.3.
Variant type: single nucleotide variant.
Coding change: c.2154+7G>A on transcript NM_004793.4 (MANE Select); 7 bases into the intron after coding-DNA position 2154, G replaced by A.
Molecular consequence: intron variant.
Genome position (GRCh38, 1-based): chr19:5,694,754, C>T on the plus strand (G>A on the coding strand, the complement: LONP1 is on the minus strand). VCF-style: chr19-5694754-C-T. GRCh37 (hg19) VCF-style: chr19-5694765-C-T.
Other names: c.1566+7G>A (NM_001276480.1); c.1962+7G>A (NM_001276479.2); c.2154+7G>A (NM_004793.3).
Identifiers: ClinVar variation 2054211 (VCV002054211.6), dbSNP rs374986974, ClinGen allele CA9114281.
Genomic context (GRCh38, chr19:5,694,754, plus strand): 5'-GGTGGGGTGATCAGCGTGGGATGGTGAGGTGGGCGGCAGGTGCCAGGAGGGCGGGCTGGC[C>T]GCTCACCTTCTCCACTTGCTTCTGCAGGTTGCGGACACCGCTCTCGCGGCAGTACTGCTT-3'

ClinVar aggregate classification (germline): Benign. Review status: criteria provided, single submitter (1 of 4 stars). 2 submissions from 2 submitters: Benign (1). 1 of the submissions does not count toward it. Last evaluated 2025-06-24.

Conditions:
LONP1-related disorder. Also called: LONP1-related condition; LONP1-related disorders.

Allele frequency attached by ClinVar (database versions not stated): gnomAD exomes 0.00004; ExAC 0.00015; ESP Exome Variant Server 0.00038; 1000 Genomes Project 0.00040; TOPMed 0.00044; 1000 Genomes Project 30x 0.00047; gnomAD 0.00050.
gnomAD v4.1: 140 of 1,585,210 alleles (0.0088%); highest among the groups gnomAD compares: African/African-American, 0.16%; no homozygotes.

Submissions (2):

Labcorp Genetics (formerly Invitae), Labcorp
Classification: Benign. Last evaluated: 2025-06-24. Review status: criteria provided, single submitter. Criteria: Invitae Variant Classification Sherloc (09022015). Collection method: clinical testing. Allele origin: germline.

PreventionGenetics, part of Exact Sciences
Classification: Likely benign for LONP1-related condition. Last evaluated: 2023-01-19. Review status: no assertion criteria provided. Collection method: clinical testing. Allele origin: germline. Not counted in ClinVar's aggregate classification.
Comment: This variant is classified as likely benign based on ACMG/AMP sequence variant interpretation guidelines (Richards et al. 2015 PMID: 25741868, with internal and published modifications).